The following is an entry in ClinVar:

NM_006204.4(PDE6C):c.256_257dup (p.Leu87fs)

Gene: PDE6C (phosphodiesterase 6C; plus strand). Cytogenetic location: 10q23.33.
Variant type: Microsatellite.
Coding change: c.256_257dup on transcript NM_006204.4 (MANE Select); coding-DNA positions 256 to 257, 2 bases duplicated (AG; older notation c.256_257dupAG).
Protein change: p.Leu87fs; shifts the reading frame from leucine 87.
Molecular consequence: frameshift variant.
Genome position (GRCh38, 1-based): chr10:93,612,981-93,612,982, AG duplicated; duplicating any 2 consecutive bases within chr10:93,612,979-93,612,982 gives the same sequence; the c. name uses the placement nearest the transcript's 3' end. VCF-style (leftmost placement, unchanged base first): chr10-93612978-C-CAG. GRCh37 (hg19) VCF-style: chr10-95372735-C-CAG.
Other names: short protein forms L87fs.
Identifiers: ClinVar variation 8765 (VCV000008765.8), dbSNP rs786200908, ClinGen allele CA212905.

ClinVar aggregate classification (germline): Pathogenic. Review status: criteria provided, single submitter (1 of 4 stars). 2 submissions from 2 submitters: Pathogenic (1). 1 of the submissions does not count toward it. Last evaluated 2021-09-19.

Conditions:
Achromatopsia 5 (ACHM5). Identifiers: MedGen C2751309, MONDO:0800196.

Submissions (2):

Labcorp Genetics (formerly Invitae), Labcorp
Classification: Pathogenic. Last evaluated: 2021-09-19. Review status: criteria provided, single submitter. Criteria: Invitae Variant Classification Sherloc (09022015). Collection method: clinical testing. Allele origin: germline.
Comment: ClinVar contains an entry for this variant (Variation ID: 8765). For these reasons, this variant has been classified as Pathogenic. This sequence change creates a premature translational stop signal (p.Leu87Glyfs*57) in the PDE6C gene. It is expected to result in an absent or disrupted protein product. Loss-of-function variants in PDE6C are known to be pathogenic (PMID: 19887631, 23776498, 26103963, 30080950). This variant is not present in population databases (ExAC no frequency). This premature translational stop signal has been observed in individual(s) with achromatopsia (PMID: 19615668).

OMIM
Classification: Pathogenic for ACHROMATOPSIA 5. Last evaluated: 2009-08-01. Review status: no assertion criteria provided. Collection method: literature only. Allele origin: germline. Not counted in ClinVar's aggregate classification.

Literature cited by the submitters: PubMed 19887631 (cited by Labcorp Genetics (formerly Invitae), Labcorp); PubMed 23776498 (cited by Labcorp Genetics (formerly Invitae), Labcorp); PubMed 26103963 (cited by Labcorp Genetics (formerly Invitae), Labcorp); PubMed 30080950 (cited by Labcorp Genetics (formerly Invitae), Labcorp); PubMed 19615668 (cited by Labcorp Genetics (formerly Invitae), Labcorp and OMIM).